The following is an entry in ClinVar:

NM_001379451.1(BCORL1):c.4188A>C (p.Pro1396=)

Gene: BCORL1 (BCL6 corepressor like 1; plus strand). Cytogenetic location: Xq26.1.
Variant type: single nucleotide variant.
Coding change: c.4188A>C on transcript NM_001379451.1 (MANE Select); coding-DNA position 4188, A replaced by C.
Protein change: p.Pro1396=; no amino-acid change (proline 1396 retained).
Molecular consequence: synonymous variant.
Genome position (GRCh38, 1-based): chrX:130,028,744, A>C. VCF-style: chrX-130028744-A-C. GRCh37 (hg19) VCF-style: chrX-129162719-A-C.
Other names: c.4188A>C, p.Pro1396= (NM_001184772.3, NM_001379450.1, NM_021946.5).
Identifiers: ClinVar variation 2661424 (VCV002661424.24), dbSNP rs773108613, ClinGen allele CA10514653.

ClinVar aggregate classification (germline): Likely benign (1 of 4 stars; one submission).

Allele frequency attached by ClinVar (database versions not stated): gnomAD exomes below 0.00001; ExAC 0.00001; gnomAD 0.00003; TOPMed 0.00006.

Submission:

CeGaT Center for Human Genetics Tuebingen
Classification: Likely benign. Last evaluated: 2022-09-01. Review status: criteria provided, single submitter. Criteria: CeGaT Center For Human Genetics Tuebingen Variant Classification Criteria Version 2. Collection method: clinical testing. Allele origin: germline. Affected: yes. Observed: 1 variant allele.
Comment: BCORL1: BP4, BP7